The following is an entry in ClinVar:

NM_001122955.4(BSCL2):c.446C>T (p.Pro149Leu)

Genes: BSCL2 (BSCL2 lipid droplet biogenesis associated, seipin; minus strand), HNRNPUL2-BSCL2 (HNRNPUL2-BSCL2 readthrough (NMD candidate); minus strand). Cytogenetic location: 11q12.3.
Variant type: single nucleotide variant.
Coding change: c.446C>T on transcript NM_001122955.4 (MANE Select); coding-DNA position 446, C replaced by T.
Protein change: p.Pro149Leu; replaces proline 149 with leucine.
Molecular consequence: missense variant. On other transcripts: non-coding transcript variant (1).
Genome position (GRCh38, 1-based): chr11:62,702,508, G>A on the plus strand (C>T on the coding strand, the complement: BSCL2 is on the minus strand). VCF-style: chr11-62702508-G-A. GRCh37 (hg19) VCF-style: chr11-62469980-G-A.
Other names: c.254C>T, p.Pro85Leu (NM_001130702.2, NM_032667.6); c.446C>T, p.Pro149Leu (NM_001386027.1, NM_001386028.1); short protein forms P149L, P85L.
Identifiers: ClinVar variation 4537858 (VCV004537858.1).
Genomic context (GRCh38, chr11:62,702,508, plus strand): 5'-TCTCTAGTTCCCATACTCACCCGATCACGTCCACCCTTAGTCAGCGAGACATTGGCAACA[G>A]GGAAGGAGCAGAGTGAGGTGGTGGAGGAATCACAGTCGGTCCTAAATGAGATTGGAGGAG-3'
Protein context (NP_001116427.1, residues 139-159): DSSTTSLCSF[Pro149Leu]VANVSLTKGG

ClinVar aggregate classification (germline): Uncertain significance (1 of 4 stars; one submission).

Submission:

GeneDx
Classification: Uncertain significance. Last evaluated: 2025-06-10. Review status: criteria provided, single submitter. Criteria: GeneDx Variant Classification Process June 2021. Collection method: clinical testing. Allele origin: germline. Affected: yes.
Comment: De novo variant with confirmed parentage in patients with a neurodevelopmental disorder referred for genetic testing at GeneDx and one was subsequently included in the published literature (PMID: 33057194); Not observed at significant frequency in large population cohorts (gnomAD); In silico analysis supports that this missense variant has a deleterious effect on protein structure/function; This variant is associated with the following publications: (PMID: 35982159, 33057194)